The following is an entry in ClinVar:

ClinVar aggregate classification (germline): Conflicting classifications of pathogenicity. Review status: criteria provided, conflicting classifications (1 of 4 stars). 14 submissions from 12 submitters: Uncertain significance (6); Likely benign (7). 1 of the submissions does not count toward it. Last evaluated 2026-01-26.

Conditions:
DSP-related disorder. Also called: DSP-related condition; DSP-related disorders.
Cardiovascular phenotype. Identifiers: MedGen CN230736.
Arrhythmogenic right ventricular cardiomyopathy (ARVD). Also called: Arrhythmogenic right ventricular dysplasia; Cardiomyopathy, ARVC; Arrhythmogenic cardiomyopathy; Arrhythmogenic Right Ventricular Cardiomyopathy (ARVC). Identifiers: Orphanet 247, MedGen C0349788, MeSH D019571, MONDO:0016587. Disease mechanism: loss of function. Inheritance: Various modes of inheritance.
Arrhythmogenic cardiomyopathy with wooly hair and keratoderma. Also called: Dilated cardiomyopathy with woolly hair and keratoderma; Carvajal syndrome; PALMOPLANTAR KERATODERMA WITH LEFT VENTRICULAR CARDIOMYOPATHY AND WOOLLY HAIR; Arrhythmogenic cardiomyopathy with woolly hair and keratoderma. Identifiers: Orphanet 65282, MedGen C1854063, MONDO:0011581, OMIM 605676.
Arrhythmogenic right ventricular dysplasia 8 (ARVD8). Also called: Arrhythmogenic Right Ventricular Dysplasia/Cardiomyopathy 8; ARRHYTHMOGENIC RIGHT VENTRICULAR DYSPLASIA, FAMILIAL, 8; ARRHYTHMOGENIC RIGHT VENTRICULAR CARDIOMYOPATHY 8. Identifiers: MedGen C1843896, MONDO:0011831, OMIM 607450.
Cardiomyopathy (CMYO). Also called: Cardiomyopathies. Identifiers: Orphanet 167848, MedGen C0878544, MONDO:0004994, HP:0001638. Inheritance: Various modes of inheritance.
Lethal acantholytic epidermolysis bullosa (EBLA). Identifiers: Orphanet 158687, MedGen C1864826, MONDO:0012323, OMIM 609638.
Woolly hair-skin fragility syndrome (WHSF). Identifiers: Orphanet 293165, MedGen C1843292, MONDO:0957307, OMIM 620415.

Allele frequency attached by ClinVar (database versions not stated): ESP Exome Variant Server 0.00015; 1000 Genomes Project 30x 0.00016; TOPMed 0.00017; gnomAD 0.00019 and 0.00021; 1000 Genomes Project 0.00020; gnomAD exomes 0.00030; ExAC 0.00037.
gnomAD v4.1: 396 of 1,614,152 alleles (0.025%); highest among the groups gnomAD compares: Non-Finnish European, 0.023%; 1 homozygote.

Submissions (14):

Labcorp Genetics (formerly Invitae), Labcorp
Classification: Likely benign for Arrhythmogenic cardiomyopathy with wooly hair and keratoderma; Arrhythmogenic right ventricular dysplasia 8. Last evaluated: 2026-01-26. Review status: criteria provided, single submitter. Criteria: Invitae Variant Classification Sherloc (09022015). Collection method: clinical testing. Allele origin: germline.

Women's Health and Genetics/Laboratory Corporation of America, LabCorp
Classification: Likely benign. Last evaluated: 2025-12-15. Review status: criteria provided, single submitter. Criteria: LabCorp Variant Classification Summary - May 2015. Collection method: clinical testing. Allele origin: germline.
Comment: Variant summary: DSP c.2422C>T (p.Arg808Cys) results in a non-conservative amino acid change in the encoded protein sequence. Algorithms developed to predict the effect of missense changes on protein structure and function are either unavailable or do not agree on the potential impact of this missense change. The variant allele was found at a frequency of 0.0003 in 251444 control chromosomes in the gnomAD database, including 1 homozygotes. The observed variant frequency exceeds the estimated maximal expected allele frequency for disease-causing variants in DSP. c.2422C>T has been reported in individuals affected with Cardiomyopathy without evidence for causality. These report(s) do not provide unequivocal conclusions about association of the variant with Arrhythmogenic Right Ventricular Dysplasia/Cardiomyopathy. To our knowledge, no experimental evidence demonstrating an impact on protein function has been reported. The following publications have been ascertained in the context of this evaluation (PMID: 25163546, 23396983). ClinVar contains an entry for this variant (Variation ID: 44874). Based on the evidence outlined above, the variant was classified as likely benign.

PreventionGenetics, part of Exact Sciences
Classification: Likely benign for DSP-related condition. Last evaluated: 2025-07-25. Review status: criteria provided, single submitter. Criteria: ACMG Guidelines, 2015. Collection method: clinical testing. Allele origin: germline.
Comment: This variant is classified as likely benign based on ACMG/AMP sequence variant interpretation guidelines (Richards et al. 2015 PMID: 25741868, with internal and published modifications).

Blueprint Genetics
Classification: Likely benign. Last evaluated: 2024-11-22. Review status: criteria provided, single submitter. Criteria: ACMG Guidelines, 2015. Collection method: clinical testing. Allele origin: germline.

Ambry Genetics
Classification: Likely benign for Cardiovascular phenotype. Last evaluated: 2022-03-28. Review status: criteria provided, single submitter. Criteria: Ambry Variant Classification Scheme 2023. Collection method: clinical testing. Allele origin: germline.

Laboratory for Molecular Medicine, Mass General Brigham Personalized Medicine
Classification: Likely benign. Last evaluated: 2021-11-09. Review status: criteria provided, single submitter. Criteria: ACMG Guidelines, 2015. Collection method: clinical testing. Allele origin: germline.
Comment: The p.Arg808Cys variant in DSP has been reported in 6 individuals: 1 with DCM, 2 with HCM, 1 with LVH, and 3 with ARVC (Lopes 2015, Ng 2013, Al-Jassar 2011, Marschall 2019 PMID: 31737537,, LMM unpublished data). However, this variant has also been identified in 0.3% (32/10368) of Ashkenazi Jewish chromosomes and 0.028% (37/129158) European chromosomes, including 1 homozygous individual, by the Genome Aggregation Database (gnomAD). This variant is reported in ClinVar (Variation ID: 44874). Computational prediction tools and conservation analyses do not provide strong support for or against an impact to the protein. In summary, the frequency of this variant suggests that it is more likely to be benign. ACMG/AMP Criteria applied: BS1.

Color Diagnostics, LLC DBA Color Health
Classification: Likely benign for Cardiomyopathy. Last evaluated: 2018-06-27. Review status: criteria provided, single submitter. Criteria: ACMG Guidelines, 2015. Collection method: clinical testing. Allele origin: germline.

Biesecker Lab/Clinical Genomics Section, National Institutes of Health
Classification: Uncertain significance for Cardiomyopathy, arrhythmogenic right ventricular. Last evaluated: 2018-04-05. Review status: criteria provided, single submitter. Criteria: ACMG Guidelines, 2015. Collection method: research. Allele origin: unknown. Affected: no. Observed: 1 variant allele.
Comment: The study set was not selected for affection status in relation to arrhythmia or cardiomyopathy. Pathogenicity categories were based on literature curation. See Pubmed ID:25741868 for details.

Medical sequencing

Illumina Laboratory Services, Illumina
Classification: Uncertain significance for Arrhythmogenic right ventricular dysplasia 8. Last evaluated: 2018-01-19. Review status: criteria provided, single submitter. Criteria: ICSL Variant Classification Criteria 13 December 2019. Collection method: clinical testing. Allele origin: germline.
Comment: This variant was observed as part of a predisposition screen in an ostensibly healthy population. A literature search was performed for the gene, cDNA change, and amino acid change (where applicable). Publications were found based on this search. However, the evidence from the literature, in combination with allele frequency data from public databases where available, was not sufficient to rule this variant in or out of causing disease. Therefore, this variant is classified as a variant of unknown significance.

Illumina Laboratory Services, Illumina
Classification: Uncertain significance for Lethal acantholytic epidermolysis bullosa. Last evaluated: 2018-01-19. Review status: criteria provided, single submitter. Criteria: ICSL Variant Classification Criteria 13 December 2019. Collection method: clinical testing. Allele origin: germline.
Comment: the same text as in the submission from Illumina Laboratory Services, Illumina above.

Illumina Laboratory Services, Illumina
Classification: Uncertain significance for Arrhythmogenic cardiomyopathy with wooly hair and keratoderma. Last evaluated: 2018-01-19. Review status: criteria provided, single submitter. Criteria: ICSL Variant Classification Criteria 13 December 2019. Collection method: clinical testing. Allele origin: germline.
Comment: the same text as in the submission from Illumina Laboratory Services, Illumina above.

CHEO Genetics Diagnostic Laboratory, Children's Hospital of Eastern Ontario
Classification: Uncertain significance for Cardiomyopathy. Last evaluated: 2017-12-05. Review status: criteria provided, single submitter. Criteria: ACMG Guidelines, 2015. Collection method: clinical testing. Allele origin: germline.

CeGaT Center for Human Genetics Tuebingen
Classification: Uncertain significance. Last evaluated: 2017-01-01. Review status: criteria provided, single submitter. Criteria: CeGaT Center For Human Genetics Tuebingen Variant Classification Criteria Version 2. Collection method: clinical testing. Allele origin: germline. Affected: yes. Observed: 1 variant allele.

CSER _CC_NCGL, University of Washington
Classification: Uncertain significance for Cardiomyopathy, arrhythmogenic right ventricular. Last evaluated: 2014-06-01. Review status: no assertion criteria provided. Collection method: research. Allele origin: germline. Inheritance: Autosomal dominant inheritance. Study: ESP 6500 variant annotation. Not counted in ClinVar's aggregate classification.
Comment: Variants classified for the Actionable exomic incidental findings in 6503 participants: challenges of variant classification manuscript

Literature cited by the submitters: PubMed 23396983 (cited by Women's Health and Genetics/Laboratory Corporation of America, LabCorp); PubMed 25163546 (cited by Women's Health and Genetics/Laboratory Corporation of America, LabCorp); PubMed 21756917 (cited by Laboratory for Molecular Medicine, Mass General Brigham Personalized Medicine and Illumina Laboratory Services, Illumina); PubMed 23861362 (cited by Laboratory for Molecular Medicine, Mass General Brigham Personalized Medicine and Illumina Laboratory Services, Illumina); PubMed 25569433 (cited by Laboratory for Molecular Medicine, Mass General Brigham Personalized Medicine and Illumina Laboratory Services, Illumina); PubMed 25351510 (cited by Laboratory for Molecular Medicine, Mass General Brigham Personalized Medicine); PubMed 27153395 (cited by Laboratory for Molecular Medicine, Mass General Brigham Personalized Medicine and Illumina Laboratory Services, Illumina); PubMed 23299917 (cited by Illumina Laboratory Services, Illumina); PubMed 26332594 (cited by Illumina Laboratory Services, Illumina); PubMed 25637381 (cited by Illumina Laboratory Services, Illumina).

NM_004415.4(DSP):c.2422C>T (p.Arg808Cys)

Gene: DSP (desmoplakin; plus strand). Cytogenetic location: 6p24.3.
Variant type: single nucleotide variant.
Coding change: c.2422C>T on transcript NM_004415.4 (MANE Select); coding-DNA position 2422, C replaced by T.
Protein change: p.Arg808Cys; replaces arginine 808 with cysteine.
Molecular consequence: missense variant.
Genome position (GRCh38, 1-based): chr6:7,574,781, C>T. VCF-style: chr6-7574781-C-T. GRCh37 (hg19) VCF-style: chr6-7575014-C-T.
Other names: c.2422C>T, p.Arg808Cys (NM_001008844.3, NM_001319034.2); c.2422C>T (NM_004415.3); short protein forms R808C.
Identifiers: ClinVar variation 44874 (VCV000044874.71), dbSNP rs150339369, ClinGen allele CA004124.